The following is an entry in ClinVar:

NM_015474.4(SAMHD1):c.8G>T (p.Arg3Leu)

Gene: SAMHD1 (SAM and HD domain containing deoxynucleoside triphosphate triphosphohydrolase 1; minus strand). Cytogenetic location: 20q11.23.
Variant type: single nucleotide variant.
Coding change: c.8G>T on transcript NM_015474.4 (MANE Select); coding-DNA position 8, G replaced by T.
Protein change: p.Arg3Leu; replaces arginine 3 with leucine.
Molecular consequence: missense variant.
Genome position (GRCh38, 1-based): chr20:36,951,636, C>A on the plus strand (G>T on the coding strand, the complement: SAMHD1 is on the minus strand). VCF-style: chr20-36951636-C-A. GRCh37 (hg19) VCF-style: chr20-35580039-C-A.
Other names: c.8G>T, p.Arg3Leu (NM_001363729.2, NM_001363733.2); short protein forms R3L.
Identifiers: ClinVar variation 835265 (VCV000835265.6), dbSNP rs551472065, ClinGen allele CA9844857.

ClinVar aggregate classification (germline): Uncertain significance. Review status: criteria provided, multiple submitters, no conflicts (2 of 4 stars). 3 submissions from 3 submitters: Uncertain significance (2). 1 of the submissions does not count toward it. Last evaluated 2025-12-13.

Conditions:
Aicardi-Goutieres syndrome 5. Identifiers: Orphanet 51, MedGen C2749659, MONDO:0013059, OMIM 612952.
Inborn genetic diseases. Identifiers: MedGen C0950123, MeSH D030342.
Aicardi Goutieres syndrome (AGS). Also called: Encephalopathy, familial infantile, with calcification of basal ganglia and chronic cerebrospinal fluid lymphocytosis. Identifiers: Orphanet 51, MedGen C0393591, MONDO:0018866.

Allele frequency attached by ClinVar (database versions not stated): gnomAD 0.00001 and 0.00002; ExAC 0.00002; gnomAD exomes 0.00002; 1000 Genomes Project 30x 0.00016; 1000 Genomes Project 0.00020.
gnomAD v4.1: 12 of 1,613,564 alleles (0.00074%); highest among the groups gnomAD compares: Admixed American, 0.01%; no homozygotes.

Submissions (3):

Labcorp Genetics (formerly Invitae), Labcorp
Classification: Uncertain significance for Aicardi-Goutieres syndrome 5. Last evaluated: 2025-12-13. Review status: criteria provided, single submitter. Criteria: Invitae Variant Classification Sherloc (09022015). Collection method: clinical testing. Allele origin: germline.
Comment: This sequence change replaces arginine, which is basic and polar, with leucine, which is neutral and non-polar, at codon 3 of the SAMHD1 protein (p.Arg3Leu). This variant is present in population databases (rs551472065, gnomAD 0.009%). This variant has not been reported in the literature in individuals affected with SAMHD1-related conditions. ClinVar contains an entry for this variant (Variation ID: 835265). Invitae Evidence Modeling of protein sequence and biophysical properties (such as structural, functional, and spatial information, amino acid conservation, physicochemical variation, residue mobility, and thermodynamic stability) has been performed for this missense variant. However, the output from this modeling did not meet the statistical confidence thresholds required to predict the impact of this variant on SAMHD1 protein function. In summary, the available evidence is currently insufficient to determine the role of this variant in disease. Therefore, it has been classified as a Variant of Uncertain Significance.

Ambry Genetics
Classification: Uncertain significance for Inborn genetic diseases. Last evaluated: 2022-05-02. Review status: criteria provided, single submitter. Criteria: Ambry Variant Classification Scheme 2023. Collection method: clinical testing. Allele origin: germline.

Natera, Inc.
Classification: Uncertain significance for Aicardi-Goutieres syndrome. Last evaluated: 2020-09-16. Review status: no assertion criteria provided. Collection method: clinical testing. Allele origin: germline. Not counted in ClinVar's aggregate classification.